The following is an entry in ClinVar:

NM_017419.3(ASIC5):c.*8T>C

Gene: ASIC5 (acid sensing ion channel subunit family member 5; minus strand). Cytogenetic location: 4q32.1.
Variant type: single nucleotide variant.
Coding change: c.*8T>C on transcript NM_017419.3 (MANE Select); 8 bases downstream of the stop codon, T replaced by C.
Molecular consequence: 3 prime UTR variant.
Genome position (GRCh38, 1-based): chr4:155,829,848, A>G on the plus strand (T>C on the coding strand, the complement: ASIC5 is on the minus strand). VCF-style: chr4-155829848-A-G. GRCh37 (hg19) VCF-style: chr4-156751000-A-G.
Identifiers: ClinVar variation 4980465 (VCV004980465.1).
Genomic context (GRCh38, chr4:155,829,848, plus strand): 5'-AACAATGAATTAGTCAAGATAAATCTGAAGGTATCATGAAAAGGAAACTATTTTATTCTA[A>G]GTGACCATTAACACTCCTCTATCCTATTTTTATTTCCCAGATGATTCTGAGGTGGAGGAG-3'

ClinVar aggregate classification (germline): Benign (1 of 4 stars; one submission).

Conditions:
ASIC5-related disorder. Also called: ASIC5-related condition.

gnomAD v4.1: 9,905 of 1,496,414 alleles (0.66%); highest among the groups gnomAD compares: Non-Finnish European, 0.64%; 63 homozygotes.

Submission:

PreventionGenetics, part of Exact Sciences
Classification: Benign for ASIC5-related condition. Last evaluated: 2025-04-28. Review status: criteria provided, single submitter. Criteria: ACMG Guidelines, 2015. Collection method: clinical testing. Allele origin: germline.
Comment: This variant is classified as benign based on ACMG/AMP sequence variant interpretation guidelines (Richards et al. 2015 PMID: 25741868, with internal and published modifications).